The following is an entry in ClinVar:

NM_001378120.1(MBD5):c.1676G>A (p.Gly559Glu)

Gene: MBD5 (methyl-CpG binding domain protein 5; plus strand). Cytogenetic location: 2q23.1.
Variant type: single nucleotide variant.
Coding change: c.1676G>A on transcript NM_001378120.1 (MANE Select); coding-DNA position 1676, G replaced by A.
Protein change: p.Gly559Glu; replaces glycine 559 with glutamic acid.
Molecular consequence: missense variant.
Genome position (GRCh38, 1-based): chr2:148,469,619, G>A. VCF-style: chr2-148469619-G-A. GRCh37 (hg19) VCF-style: chr2-149227188-G-A.
Other names: c.1676G>A, p.Gly559Glu (NM_018328.5); short protein forms G559E.
Identifiers: ClinVar variation 2092354 (VCV002092354.4), dbSNP rs2469868104, ClinGen allele CA348720189.

ClinVar aggregate classification (germline): Uncertain significance (1 of 4 stars; one submission).

Conditions:
Intellectual developmental disorder, autosomal dominant 1. Also called: Intellectual disability, autosomal dominant 1; MBD5 Haploinsufficiency. Identifiers: Orphanet 228402, MedGen C1969562, MONDO:0007974, OMIM 156200.

Allele frequency attached by ClinVar (database versions not stated): gnomAD exomes below 0.00001.
gnomAD v4.1: 4 of 1,613,936 alleles (0.00025%); highest among the groups gnomAD compares: Non-Finnish European, 0.00034%; no homozygotes.

Submission:

Labcorp Genetics (formerly Invitae), Labcorp
Classification: Uncertain significance for Intellectual developmental disorder, autosomal dominant 1. Last evaluated: 2022-07-26. Review status: criteria provided, single submitter. Criteria: Invitae Variant Classification Sherloc (09022015). Collection method: clinical testing. Allele origin: germline.
Comment: In summary, the available evidence is currently insufficient to determine the role of this variant in disease. Therefore, it has been classified as a Variant of Uncertain Significance. Algorithms developed to predict the effect of missense changes on protein structure and function (SIFT, PolyPhen-2, Align-GVGD) all suggest that this variant is likely to be disruptive. This variant has not been reported in the literature in individuals affected with MBD5-related conditions. This variant is not present in population databases (gnomAD no frequency). This sequence change replaces glycine, which is neutral and non-polar, with glutamic acid, which is acidic and polar, at codon 559 of the MBD5 protein (p.Gly559Glu).